The following is an entry in ClinVar:

NM_001291415.2(KDM6A):c.4264G>T (p.Glu1422Ter)

Gene: KDM6A (lysine demethylase 6A; plus strand). Cytogenetic location: Xp11.3.
Variant type: single nucleotide variant.
Coding change: c.4264G>T on transcript NM_001291415.2 (MANE Select); coding-DNA position 4264, G replaced by T.
Protein change: p.Glu1422Ter; replaces glutamic acid 1422 with a stop codon.
Molecular consequence: nonsense. On other transcripts: non-coding transcript variant (1).
Genome position (GRCh38, 1-based): chrX:45,110,181, G>T. VCF-style: chrX-45110181-G-T. GRCh37 (hg19) VCF-style: chrX-44969426-G-T.
Other names: NC_000023.10:g.44969426G>T; c.4129G>T, p.Glu1377Ter (NM_001291416.2); c.3973G>T, p.Glu1325Ter (NM_001291417.2); c.3871G>T, p.Glu1291Ter (NM_001291418.2); c.3220G>T, p.Glu1074Ter (NM_001291421.2); c.4006G>T, p.Glu1336Ter (NM_001410742.1); c.4372G>T, p.Glu1458Ter (NM_001419809.1); c.4270G>T, p.Glu1424Ter (NM_001419810.1); and 6 more; short protein forms E1074*, E1291*, E1325*, E1327*, E1336*, E1370*, E1372*, E1377*.
Identifiers: ClinVar variation 4082460 (VCV004082460.2).
Genomic context (GRCh38, chrX:45,110,181, plus strand): 5'-TCACGAAAGACCTACATAGTACATTGCCAAGATTGTGCACGAAAAACAAGCGGAAACTTG[G>T]AAAACTTTGTGGTGCTAGAACAGTACAAAATGGAGGACCTGATGCAAGTCTATGACCAAT-3'

ClinVar aggregate classification (germline): Uncertain significance (1 of 4 stars; one submission).

Submissions (2):

Genetic Services Laboratory, University of Chicago
Classification: Uncertain significance. Last evaluated: 2024-10-02. Review status: criteria provided, single submitter. Criteria: ACMG Guidelines, 2015. Collection method: clinical testing. Allele origin: germline. Affected: no.
Comment: DNA sequence analysis of the KDM6A gene demonstrated a sequence change, c.4108G>T, which results in the creation of a premature stop codon at amino acid position 1370, p.Glu1370* . Since this variant is located in the penultimate exon of the gene; it is unclear whether it will result in an abnormal transcript and lead to the production of a truncated protein as it may escape nonsense mediated decay. This sequence change has not been described in population databases such as ExAC and gnomAD. This sequence change has previously not been described in individuals with KDM6A-related Kabuki syndrome. Due to the lack of additional studies that conclusively demonstrate the effect of this variant on protein function, and its presence in the penultimate exon of the gene with no other truncating variants described downstream of this variant to date have been established to be pathogenic, the clinical significance of the p.Glu1370* change remains unknown at this time.

Dr. Peter K. Rogan Lab, Western University
No classification provided (evidence only). Condition: Malignant tumor of urinary bladder. Review status: no classification provided. Collection method: in vitro. Allele origin: not applicable. Functional consequence: retained intron. Not counted in ClinVar's aggregate classification.